The following is an entry in ClinVar:

ClinVar aggregate classification (germline): Pathogenic (1 of 4 stars; one submission).

Submission:

ISCA site 4
Classification: Pathogenic. Last evaluated: 2011-08-12. Review status: criteria provided, single submitter. Criteria: Kaminsky et al. (Genet Med. 2011). Collection method: clinical testing. Allele origin: de novo. Affected: yes. Observed: 1 variant allele.
Comment: Copy number variation identified through the course of routine clinical cytogenomic testing in postnatal populations. Clinical assertions have been curated as described in Kaminsky et al. 2011.

GRCh38/hg38 4q21.1-21.23(chr4:75453111-84094295)x1

Genes: ABRAXAS1 (abraxas 1, BRCA1 A complex subunit; minus strand), ANTXR2 (ANTXR cell adhesion molecule 2; minus strand), ANXA3 (annexin A3; plus strand), ART3 (ADP-ribosyltransferase 3 (inactive); plus strand), BMP2K (BMP2 inducible kinase; plus strand) and 235 more. Cytogenetic location: 4q21.1-21.23.
Variant type: copy number loss.
Change: copy number 1 (one copy instead of two) of chr4:75,453,111-84,094,295 (8.64 Mb, GRCh38 coordinates, 1-based), cytogenetic band 4q21.1-21.23.
Identifiers: ClinVar variation 57143 (VCV000057143.1).